The following is an entry in ClinVar:

ClinVar aggregate classification (germline): Pathogenic. Review status: criteria provided, multiple submitters, no conflicts (2 of 4 stars). 8 submissions from 8 submitters: Pathogenic (6). 2 of the submissions do not count toward it. Last evaluated 2025-10-02.

Conditions:
PMM2-related disorder. Also called: PMM2-related condition.
Inborn genetic diseases. Identifiers: MedGen C0950123, MeSH D030342.
PMM2-congenital disorder of glycosylation. Also called: CDG Ia; Congenital disorder of glycosylation, type Ia; CARBOHYDRATE-DEFICIENT GLYCOPROTEIN SYNDROME, TYPE Ia; PMM2-CDG; JAEKEN SYNDROME; PHOSPHOMANNOMUTASE 2 DEFICIENCY. Identifiers: Orphanet 79318, MedGen C0349653, MONDO:0008907, OMIM 212065.

Submissions (8):

Labcorp Genetics (formerly Invitae), Labcorp
Classification: Pathogenic for PMM2-congenital disorder of glycosylation. Last evaluated: 2025-10-02. Review status: criteria provided, single submitter. Criteria: Invitae Variant Classification Sherloc (09022015). Collection method: clinical testing. Allele origin: germline.
Comment: This sequence change replaces leucine, which is neutral and non-polar, with arginine, which is basic and polar, at codon 32 of the PMM2 protein (p.Leu32Arg). This variant is present in population databases (rs398123312, gnomAD 0.0008%). This missense change has been observed in individuals with PMM2-related conditions (PMID: 17451957, 19235233, 23988505, 25355454). It has also been observed to segregate with disease in related individuals. ClinVar contains an entry for this variant (Variation ID: 92807). An algorithm developed to predict the effect of missense changes on protein structure and function (PolyPhen-2) suggests that this variant is likely to be disruptive. Experimental studies have shown that this missense change affects PMM2 function (PMID: 10922383, 11715002). For these reasons, this variant has been classified as Pathogenic.

Natera, Inc.
Classification: Pathogenic for Congenital disorder of glycosylation type 1a. Last evaluated: 2025-06-15. Review status: criteria provided, single submitter. Criteria: Natera Variant Classification Schema (03/2026). Collection method: clinical testing. Allele origin: germline.
Comment: The c.95_96delTAinsGC variant in PMM2 is a deletion-insertion (delins) variant predicted to replace one or more nucleotides with a different sequence. This variant is rare in the general population with a frequency below the threshold expected for the associated phenotype(s). This variant has been observed in one or more individuals affected with the associated recessive disease, as either homozygous or compound heterozygous with a second variant (PMID: 25355454). Additionally, this variant has been observed to segregate in affected family members (PMID: 25355454). Computational prediction algorithms indicate this variant is likely to affect gene or protein function. Given the available evidence, this variant is classified as Pathogenic.

GeneDx
Classification: Pathogenic. Last evaluated: 2024-04-29. Review status: criteria provided, single submitter. Criteria: GeneDx Variant Classification Process June 2021. Collection method: clinical testing. Allele origin: germline. Affected: yes.
Comment: Published functional studies demonstrate a damaging effect with significantly reduced phosphomannomutase 2 enzyme activity compared to wild-type (PMID: 10922383, 11715002, 21541725); Deletion and insertion event resulting in an in-frame substitution of one amino acid; Not observed at significant frequency in large population cohorts (gnomAD); In silico analysis supports a deleterious effect on protein structure/function; This variant is associated with the following publications: (PMID: 23430838, 26502900, 12357336, 19235233, 25355454, 21541725, 11156536, 11715002, 17451957, 15844218, 11058895, 23988505, 34788024, 31589614, 34436420, 37955240, 36099812, 34863624, 38308356, 38129426, 35154715, 32635232, 33643843, 33619652, 38599261, 10922383)

Ambry Genetics
Classification: Pathogenic for Inborn genetic diseases. Last evaluated: 2020-12-10. Review status: criteria provided, single submitter. Criteria: Ambry Variant Classification Scheme 2023. Collection method: clinical testing. Allele origin: germline.
Comment: The c.95_96delTAinsGC (p.L32R) alteration, located in coding exon 2 of the PMM2 gene, results from an in-frame deletion of TA and insertion of GC at nucleotide positions 95 to 96. This results in the substitution of the arginine residue for a leucine residue at codon 32. Based on data from the Genome Aggregation Database (gnomAD) database, the PMM2 c.95T>G alteration was observed in <0.01% (2/248518) of total alleles studied. This mutation was identified in numerous Italian individuals with milder presentations of PMM2-related congenital disorders of glycosylation; all individuals had reduced PMM activity in leukocytes or fibroblasts and a second PMM2 variant identified (Barone, 2015). In E. coli and S. cerevisiae, this mutation demonstrated reduced PMM activity of approximately 40-45% of wild type levels (Vuillaumier-Barrot, 2000; Westphal, 2001; Vega, 2011) The p.L32R alteration is predicted to be deleterious by in silico analysis. Based on the available evidence, this alteration is classified as pathogenic.

Women's Health and Genetics/Laboratory Corporation of America, LabCorp
Classification: Pathogenic for PMM2-congenital disorder of glycosylation. Last evaluated: 2016-06-26. Review status: criteria provided, single submitter. Criteria: LabCorp Variant Classification Summary - May 2015. Collection method: clinical testing. Allele origin: germline.
Comment: Variant summary: The PMM2 c.95_96delinsGC (p.Leu32delinsArg) causes an in-frame deletion/insertion resulting in a missense change. The variant of interest was observed in the large, broad control population, ExAC, with an allele frequency of 1/106694, which does not exceed the estimated maximal expected allele frequency for a pathogenic PMM2 variant of 1/178 (0.0055902). The variant of interest has been observed in multiple affected individuals as a compound heterozygote via multiple publications. In addition, multiple functional studies show the variant to impede PMM2 wild type functions. Furthermore, multiple reputable databases/clinical laboratories cite the variant as "likely pathogenic/pathogenic." Therefore, taking all available lines of evidence into consideration, the variant of interest has been classified as Pathogenic.

Eurofins Ntd Llc (ga)
Classification: Pathogenic. Last evaluated: 2012-12-21. Review status: criteria provided, single submitter. Criteria: EGL Classification Definitions. Collection method: clinical testing. Allele origin: germline. Observed: 2 variant alleles, 2 heterozygotes.

PreventionGenetics, part of Exact Sciences
Classification: Pathogenic for PMM2-related condition. Last evaluated: 2024-06-05. Review status: no assertion criteria provided. Collection method: clinical testing. Allele origin: germline. Not counted in ClinVar's aggregate classification.
Comment: The PMM2 c.95_96delinsGC variant is predicted to result in an in-frame deletion and insertion. This variant was reported in individuals with congenital disorder of glycosylation 1a (Vuillaumier-Barrot et al. 2000. PubMed ID: 10922383; Vega et al. 2009. PubMed ID: 19235233; Vega et al. 2011. PubMed ID: 21541725; Barone et al. 2014. PubMed ID: 25355454). This variant is considered to contribute to a mild neurological phenotype and appears to be particularly prevalent in individuals of Italian ancestry (Westphal et al. 2001. PubMed ID: 11715002; Barone et al. 2014. PubMed ID: 25355454). Functional studies showed that the p.Leu32Arg variant results in reduced enzyme activities (Westphal et al. 2001. PubMed ID: 11715002). This multi-nucleotide variant may be documented as two separate variants in cis (on the same allele) in a large population database. This variant is interpreted as pathogenic.

Counsyl
Classification: Pathogenic for PMM2-congenital disorder of glycosylation. Last evaluated: 2018-10-29. Review status: no assertion criteria provided. Collection method: clinical testing. Allele origin: unknown. Not counted in ClinVar's aggregate classification.

Literature cited by the submitters: PubMed 17451957 (cited by Labcorp Genetics (formerly Invitae), Labcorp and Counsyl); PubMed 19235233 (cited by Labcorp Genetics (formerly Invitae), Labcorp); PubMed 23988505 (cited by Labcorp Genetics (formerly Invitae), Labcorp); PubMed 25355454 (cited by 5 submitters); PubMed 10922383 (cited by 3 submitters); PubMed 11715002 (cited by 3 submitters); PubMed 21541725 (cited by 3 submitters).

NM_000303.3(PMM2):c.95_96delinsGC (p.Leu32Arg)

Gene: PMM2 (phosphomannomutase 2; plus strand). Cytogenetic location: 16p13.2.
Variant type: Indel.
Coding change: c.95_96delinsGC on transcript NM_000303.3 (MANE Select); coding-DNA positions 95 to 96, TA replaced by GC.
Protein change: p.Leu32Arg; replaces leucine 32 with arginine.
Molecular consequence: missense variant.
Genome position (GRCh38, 1-based): chr16:8,801,827-8,801,828, TA replaced by GC. VCF-style: chr16-8801827-TA-GC. GRCh37 (hg19) VCF-style: chr16-8895684-TA-GC.
Other names: short protein forms L32R.
Identifiers: ClinVar variation 92807 (VCV000092807.20), dbSNP rs398123312, ClinGen allele CA220630.